The following is an entry in ClinVar:

ClinVar aggregate classification (germline): Pathogenic (1 of 4 stars; one submission).

Conditions:
Multiple endocrine neoplasia, type 1 (MEN1). Also called: Endocrine adenomatosis multiple; MEN 1; MEA I; MEN I; WERMER SYNDROME. Identifiers: Orphanet 652, MedGen C0025267, MeSH D018761, MONDO:0007540, OMIM 131100.

Submission:

Labcorp Genetics (formerly Invitae), Labcorp
Classification: Pathogenic for Multiple endocrine neoplasia, type 1. Last evaluated: 2024-12-18. Review status: criteria provided, single submitter. Criteria: Invitae Variant Classification Sherloc (09022015). Collection method: clinical testing. Allele origin: germline.
Comment: This sequence change creates a premature translational stop signal (p.Ile54Serfs*65) in the MEN1 gene. It is expected to result in an absent or disrupted protein product. Loss-of-function variants in MEN1 are known to be pathogenic (PMID: 12112656, 17853334). This variant is not present in population databases (gnomAD no frequency). This variant has not been reported in the literature in individuals affected with MEN1-related conditions. ClinVar contains an entry for this variant (Variation ID: 1977017). For these reasons, this variant has been classified as Pathogenic.

Literature cited by the submitters: PubMed 12112656; PubMed 17853334.

NM_001370259.2(MEN1):c.160del (p.Ile54fs)

Gene: MEN1 (menin 1; minus strand). Cytogenetic location: 11q13.1.
Variant type: Deletion.
Coding change: c.160del on transcript NM_001370259.2 (MANE Select); coding-DNA position 160, one base deleted (A; older notation c.160delA).
Protein change: p.Ile54fs; shifts the reading frame from isoleucine 54.
Molecular consequence: frameshift variant.
Genome position (GRCh38, 1-based): chr11:64,809,950, T deleted on the plus strand (A on the coding strand, the reverse complement: MEN1 is on the minus strand). VCF-style (leftmost placement, unchanged base first): chr11-64809949-AT-A. GRCh37 (hg19) VCF-style: chr11-64577421-AT-A.
Other names: c.160del, p.Ile54fs (NM_000244.4, NM_001370251.2, NM_001370260.2 and 9 more transcripts); c.160delA, p.Ile54Serfs (NM_001407142.1, NM_001407143.1, NM_001407144.1 and 8 more transcripts); short protein forms I54fs.
Identifiers: ClinVar variation 1977017 (VCV001977017.5), dbSNP rs2497280728, ClinGen allele CA2580084447.